The following is an entry in ClinVar:

ClinVar aggregate classification (germline): Conflicting classifications of pathogenicity. Review status: criteria provided, conflicting classifications (1 of 4 stars). 2 submissions from 2 submitters: Uncertain significance (1); Likely benign (1). Last evaluated 2024-02-06.

Conditions:
Developmental delay, hypotonia, musculoskeletal defects, and behavioral abnormalities. Identifiers: MedGen C5562012, MONDO:0859202, OMIM 619595.
Floating-Harbor syndrome (FLHS). Also called: SRCAP-Related Floating-Harbor Syndrome; Short stature with delayed bone age, expressive language delay, a triangular face with a prominent nose and deep-set eyes; Pelletier-Leisti syndrome. Identifiers: Orphanet 2044, MedGen C0729582, MONDO:0007621, OMIM 136140.

Allele frequency attached by ClinVar (database versions not stated): TOPMed below 0.00001; gnomAD 0.00001; ExAC 0.00002.
gnomAD v4.1: 51 of 1,566,628 alleles (0.0033%); highest among the groups gnomAD compares: Non-Finnish European, 0.0043%; no homozygotes.

Submissions (2):

Fulgent Genetics
Classification: Likely benign for Floating-Harbor syndrome; Developmental delay, hypotonia, musculoskeletal defects, and behavioral abnormalities. Last evaluated: 2024-02-06. Review status: criteria provided, single submitter. Criteria: ACMG Guidelines, 2015. Collection method: clinical testing. Allele origin: germline.

Labcorp Genetics (formerly Invitae), Labcorp
Classification: Uncertain significance. Last evaluated: 2022-03-13. Review status: criteria provided, single submitter. Criteria: Invitae Variant Classification Sherloc (09022015). Collection method: clinical testing. Allele origin: germline.
Comment: In summary, the available evidence is currently insufficient to determine the role of this variant in disease. Therefore, it has been classified as a Variant of Uncertain Significance. Algorithms developed to predict the effect of missense changes on protein structure and function are either unavailable or do not agree on the potential impact of this missense change (SIFT: "Tolerated"; PolyPhen-2: "Not Available"; Align-GVGD: "Class C0"). This variant has not been reported in the literature in individuals affected with SRCAP-related conditions. This variant is present in population databases (rs770691974, gnomAD 0.005%). This sequence change replaces alanine, which is neutral and non-polar, with serine, which is neutral and polar, at codon 2774 of the SRCAP protein (p.Ala2774Ser).

NM_006662.3(SRCAP):c.8320G>T (p.Ala2774Ser)

Gene: SRCAP (Snf2 related CREBBP activator protein; plus strand). Cytogenetic location: 16p11.2.
Variant type: single nucleotide variant.
Coding change: c.8320G>T on transcript NM_006662.3 (MANE Select); coding-DNA position 8320, G replaced by T.
Protein change: p.Ala2774Ser; replaces alanine 2774 with serine.
Molecular consequence: missense variant.
Genome position (GRCh38, 1-based): chr16:30,738,360, G>T. VCF-style: chr16-30738360-G-T. GRCh37 (hg19) VCF-style: chr16-30749681-G-T.
Other names: short protein forms A2774S.
Identifiers: ClinVar variation 1935261 (VCV001935261.6), dbSNP rs770691974, ClinGen allele CA8012661.
Genomic context (GRCh38, chr16:30,738,360, plus strand): 5'-CTGGTAACTGTGGTAGAGGAAAAGGAACTGGTGCGGCGGCGGCGGCAGCAGCGGGGAGCT[G>T]CCAGCACCCTAGTGCCTGGGGTCTCTGAGACTAGTGCCAGCCCGGGAAGCCCGTCTGTCC-3'
Protein context (NP_006653.2, residues 2764-2784): VRRRRQQRGA[Ala2774Ser]STLVPGVSET